The following is an entry in ClinVar:

ClinVar aggregate classification (germline): Uncertain significance (1 of 4 stars; one submission).

Conditions:
Familial cold autoinflammatory syndrome 3 (FCAS3). Also called: ANTIBODY DEFICIENCY AND IMMUNE DYSREGULATION, PLCG2-ASSOCIATED; FAMILIAL ATYPICAL COLD URTICARIA. Identifiers: Orphanet 300359, MedGen C3280914, MONDO:0013766, OMIM 614468.

Submission:

Labcorp Genetics (formerly Invitae), Labcorp
Classification: Uncertain significance for Familial cold autoinflammatory syndrome 3. Last evaluated: 2025-05-21. Review status: criteria provided, single submitter. Criteria: Invitae Variant Classification Sherloc (09022015). Collection method: clinical testing. Allele origin: germline.
Comment: This sequence change falls in intron 18 of the PLCG2 gene. It does not directly change the encoded amino acid sequence of the PLCG2 protein. It affects a nucleotide within the consensus splice site. This variant is not present in population databases (gnomAD no frequency). This variant has not been reported in the literature in individuals affected with PLCG2-related conditions. Variants that disrupt the consensus splice site are a relatively common cause of aberrant splicing (PMID: 17576681, 9536098). Algorithms developed to predict the effect of sequence changes on RNA splicing suggest that this variant is not likely to affect RNA splicing. In summary, the available evidence is currently insufficient to determine the role of this variant in disease. Therefore, it has been classified as a Variant of Uncertain Significance.

Literature cited by the submitters: PubMed 17576681; PubMed 9536098.

NM_002661.5(PLCG2):c.1934+4C>G

Gene: PLCG2 (phospholipase C gamma 2; plus strand). Cytogenetic location: 16q23.3.
Variant type: single nucleotide variant.
Coding change: c.1934+4C>G on transcript NM_002661.5 (MANE Select); 4 bases into the intron after coding-DNA position 1934, C replaced by G.
Molecular consequence: intron variant.
Genome position (GRCh38, 1-based): chr16:81,910,724, C>G. VCF-style: chr16-81910724-C-G. GRCh37 (hg19) VCF-style: chr16-81944329-C-G.
Other names: c.1934+4C>G (NM_001425751.1, NM_001425749.1, NM_001425750.1).
Identifiers: ClinVar variation 4719966 (VCV004719966.1).